The following is an entry in ClinVar:

ClinVar aggregate classification (germline): Uncertain significance (1 of 4 stars; one submission).

Conditions:
Familial hypocalciuric hypercalcemia (FHH). Also called: Familial benign hypercalcemia. Identifiers: Orphanet 405, MedGen C1809471, MONDO:0018458.
Autosomal dominant hypocalcemia 1 (HYPOC1). Also called: HYPOCALCEMIA, FAMILIAL. Identifiers: MedGen C3715128, MONDO:0011013, OMIM 601198.

Submission:

Labcorp Genetics (formerly Invitae), Labcorp
Classification: Uncertain significance for Familial hypocalciuric hypercalcemia; Autosomal dominant hypocalcemia 1. Last evaluated: 2019-07-02. Review status: criteria provided, single submitter. Criteria: Invitae Variant Classification Sherloc (09022015). Collection method: clinical testing. Allele origin: germline.
Comment: This sequence change replaces alanine with threonine at codon 804 of the CASR protein (p.Ala804Thr). The alanine residue is highly conserved and there is a small physicochemical difference between alanine and threonine. This variant is not present in population databases (ExAC no frequency). This variant has not been reported in the literature in individuals with CASR-related conditions. Algorithms developed to predict the effect of missense changes on protein structure and function are either unavailable or do not agree on the potential impact of this missense change (SIFT: "Deleterious"; PolyPhen-2: "Probably Damaging"; Align-GVGD: "Class C0"). In summary, the available evidence is currently insufficient to determine the role of this variant in disease. Therefore, it has been classified as a Variant of Uncertain Significance.

NM_000388.4(CASR):c.2410G>A (p.Ala804Thr)

Gene: CASR (calcium sensing receptor; plus strand). Cytogenetic location: 3q21.1.
Variant type: single nucleotide variant.
Coding change: c.2410G>A on transcript NM_000388.4 (MANE Select); coding-DNA position 2410, G replaced by A.
Protein change: p.Ala804Thr; replaces alanine 804 with threonine.
Molecular consequence: missense variant.
Genome position (GRCh38, 1-based): chr3:122,284,364, G>A. VCF-style: chr3-122284364-G-A. GRCh37 (hg19) VCF-style: chr3-122003211-G-A.
Other names: c.2440G>A, p.Ala814Thr (NM_001178065.2); short protein forms A804T, A814T.
Identifiers: ClinVar variation 947875 (VCV000947875.10), dbSNP rs777219967, ClinGen allele CA354159739.
Genomic context (GRCh38, chr3:122,284,364, plus strand): 5'-GCTGCCATCTGCTTCTTCTTTGCCTTCAAGTCCCGGAAGCTGCCGGAGAACTTCAATGAA[G>A]CCAAGTTCATCACCTTCAGCATGCTCATCTTCTTCATCGTCTGGATCTCCTTCATTCCAG-3'
Protein context (NP_000379.3, residues 794-814): SRKLPENFNE[Ala804Thr]KFITFSMLIF